The following is an entry in ClinVar:

NM_000540.3(RYR1):c.2416G>T (p.Gly806Cys)

Gene: RYR1 (ryanodine receptor 1; plus strand). Cytogenetic location: 19q13.2.
Variant type: single nucleotide variant.
Coding change: c.2416G>T on transcript NM_000540.3 (MANE Select); coding-DNA position 2416, G replaced by T.
Protein change: p.Gly806Cys; replaces glycine 806 with cysteine.
Molecular consequence: missense variant.
Genome position (GRCh38, 1-based): chr19:38,460,430, G>T. VCF-style: chr19-38460430-G-T. GRCh37 (hg19) VCF-style: chr19-38951070-G-T.
Other names: c.2416G>T, p.Gly806Cys (NM_001042723.2); short protein forms G806C.
Identifiers: ClinVar variation 652647 (VCV000652647.8), dbSNP rs772647350, ClinGen allele CA405628861.

ClinVar aggregate classification (germline): Uncertain significance (1 of 4 stars; one submission).

Conditions:
RYR1-related disorder. Also called: RYR1-related disorders; RYR1-related condition. Identifiers: MedGen CN239331.

Submission:

Labcorp Genetics (formerly Invitae), Labcorp
Classification: Uncertain significance for RYR1-related disorder. Last evaluated: 2018-11-27. Review status: criteria provided, single submitter. Criteria: Invitae Variant Classification Sherloc (09022015). Collection method: clinical testing. Allele origin: germline.
Comment: In summary, the available evidence is currently insufficient to determine the role of this variant in disease. Therefore, it has been classified as a Variant of Uncertain Significance. Algorithms developed to predict the effect of missense changes on protein structure and function are either unavailable or do not agree on the potential impact of this missense change (SIFT: "Deleterious"; PolyPhen-2: "Probably Damaging"; Align-GVGD: "Class C0"). This variant has not been reported in the literature in individuals with RYR1-related disease. This variant is not present in population databases (ExAC no frequency). This sequence change replaces glycine with cysteine at codon 806 of the RYR1 protein (p.Gly806Cys). The glycine residue is highly conserved and there is a large physicochemical difference between glycine and cysteine.